The following is an entry in ClinVar:

ClinVar aggregate classification (germline): Uncertain significance. Review status: criteria provided, multiple submitters, no conflicts (2 of 4 stars). 4 submissions from 4 submitters: Uncertain significance (4). Last evaluated 2022-08-31.

Conditions:
Cardiovascular phenotype. Identifiers: MedGen CN230736.
Alstrom syndrome (ALMS). Identifiers: Orphanet 64, MedGen C0268425, MONDO:0008763, OMIM 203800.

Allele frequency attached by ClinVar (database versions not stated): gnomAD exomes below 0.00001; ExAC 0.00001; gnomAD 0.00001; TOPMed 0.00003.
gnomAD v4.1: 8 of 1,612,926 alleles (0.0005%); highest among the groups gnomAD compares: African/African-American, 0.0067%; no homozygotes.

Submissions (4):

Labcorp Genetics (formerly Invitae), Labcorp
Classification: Uncertain significance for Alstrom syndrome. Last evaluated: 2022-08-31. Review status: criteria provided, single submitter. Criteria: Invitae Variant Classification Sherloc (09022015). Collection method: clinical testing. Allele origin: germline.
Comment: This sequence change replaces threonine, which is neutral and polar, with lysine, which is basic and polar, at codon 3592 of the ALMS1 protein (p.Thr3592Lys). This variant is present in population databases (rs773091397, gnomAD 0.004%). This variant has not been reported in the literature in individuals affected with ALMS1-related conditions. ClinVar contains an entry for this variant (Variation ID: 1488419). Experimental studies and prediction algorithms are not available or were not evaluated, and the functional significance of this variant is currently unknown. In summary, the available evidence is currently insufficient to determine the role of this variant in disease. Therefore, it has been classified as a Variant of Uncertain Significance.

Blueprint Genetics
Classification: Uncertain significance. Last evaluated: 2021-12-01. Review status: criteria provided, single submitter. Criteria: ACMG Guidelines, 2015. Collection method: clinical testing. Allele origin: germline.

Fulgent Genetics
Classification: Uncertain significance for Alstrom syndrome. Last evaluated: 2021-08-02. Review status: criteria provided, single submitter. Criteria: ACMG Guidelines, 2015. Collection method: clinical testing. Allele origin: unknown.

Ambry Genetics
Classification: Uncertain significance for Cardiovascular phenotype. Last evaluated: 2021-07-07. Review status: criteria provided, single submitter. Criteria: Ambry Variant Classification Scheme 2023. Collection method: clinical testing. Allele origin: germline.
Comment: The p.T3592K variant (also known as c.10775C>A), located in coding exon 16 of the ALMS1 gene, results from a C to A substitution at nucleotide position 10775. The threonine at codon 3592 is replaced by lysine, an amino acid with similar properties. This amino acid position is well conserved in available vertebrate species. In addition, this alteration is predicted to be tolerated by in silico analysis. Since supporting evidence is limited at this time, the clinical significance of this alteration remains unclear.

Literature cited by the submitters: PubMed 28717663 (cited by Ambry Genetics).

NM_001378454.1(ALMS1):c.10772C>A (p.Thr3591Lys)

Gene: ALMS1 (ALMS1 centrosome and basal body associated protein; plus strand). Cytogenetic location: 2p13.1.
Variant type: single nucleotide variant.
Coding change: c.10772C>A on transcript NM_001378454.1 (MANE Select); coding-DNA position 10772, C replaced by A.
Protein change: p.Thr3591Lys; replaces threonine 3591 with lysine.
Molecular consequence: missense variant.
Genome position (GRCh38, 1-based): chr2:73,572,649, C>A. VCF-style: chr2-73572649-C-A. GRCh37 (hg19) VCF-style: chr2-73799776-C-A.
Other names: c.10775C>A, p.Thr3592Lys (NM_015120.4); short protein forms T3592K, T3591K.
Identifiers: ClinVar variation 1488419 (VCV001488419.7), dbSNP rs773091397, ClinGen allele CA1715055.